The following is an entry in ClinVar:

ClinVar aggregate classification (germline): Likely benign. Review status: criteria provided, multiple submitters, no conflicts (2 of 4 stars). 3 submissions from 3 submitters: Likely benign (3). Last evaluated 2026-01-06.

Allele frequency attached by ClinVar (database versions not stated): gnomAD exomes 0.00005; ExAC 0.00010; ESP Exome Variant Server 0.00017; gnomAD 0.00023 and 0.00024; TOPMed 0.00032; 1000 Genomes Project 30x 0.00047; 1000 Genomes Project 0.00060.
gnomAD v4.1: 85 of 1,551,780 alleles (0.0055%); highest among the groups gnomAD compares: African/African-American, 0.1%; no homozygotes.

Submissions (3):

Labcorp Genetics (formerly Invitae), Labcorp
Classification: Likely benign. Last evaluated: 2026-01-06. Review status: criteria provided, single submitter. Criteria: Invitae Variant Classification Sherloc (09022015). Collection method: clinical testing. Allele origin: germline.

Mayo Clinic Laboratories, Mayo Clinic
Classification: Likely benign. Last evaluated: 2025-07-29. Review status: criteria provided, single submitter. Criteria: ACMG Guidelines, 2015. Collection method: clinical testing. Allele origin: germline. Observed: 1 variant allele.
Comment: BS1, BP4, BP7

Blueprint Genetics
Classification: Likely benign. Last evaluated: 2024-09-02. Review status: criteria provided, single submitter. Criteria: ACMG Guidelines, 2015. Collection method: clinical testing. Allele origin: germline.

NM_001013838.3(CARMIL2):c.4037-9C>G

Gene: CARMIL2 (capping protein regulator and myosin 1 linker 2; plus strand). Cytogenetic location: 16q22.1.
Variant type: single nucleotide variant.
Coding change: c.4037-9C>G on transcript NM_001013838.3 (MANE Select); 9 bases into the intron before coding-DNA position 4037, C replaced by G.
Molecular consequence: intron variant.
Genome position (GRCh38, 1-based): chr16:67,656,792, C>G. VCF-style: chr16-67656792-C-G. GRCh37 (hg19) VCF-style: chr16-67690695-C-G.
Other names: p.?; c.3928+147C>G (NM_001317026.3).
Identifiers: ClinVar variation 1549235 (VCV001549235.10), dbSNP rs199695377, ClinGen allele CA8114246.